The following is an entry in ClinVar:

ClinVar aggregate classification (germline): Uncertain significance (1 of 4 stars; one submission).

Conditions:
Hereditary cancer-predisposing syndrome. Also called: Neoplastic Syndromes, Hereditary; Tumor predisposition; Hereditary neoplastic syndrome; Hereditary Cancer Syndrome. Identifiers: Orphanet 140162, MedGen C0027672, MeSH D009386, MONDO:0015356.

Submission:

Ambry Genetics
Classification: Uncertain significance for Hereditary cancer-predisposing syndrome. Last evaluated: 2022-12-11. Review status: criteria provided, single submitter. Criteria: Ambry Variant Classification Scheme 2023. Collection method: clinical testing. Allele origin: germline.
Comment: The p.E808K variant (also known as c.2422G>A), located in coding exon 10 of the BRCA2 gene, results from a G to A substitution at nucleotide position 2422. The glutamic acid at codon 808 is replaced by lysine, an amino acid with similar properties. This amino acid position is conserved. In addition, the in silico prediction for this alteration is inconclusive. Since supporting evidence is limited at this time, the clinical significance of this alteration remains unclear.

NM_000059.4(BRCA2):c.2422G>A (p.Glu808Lys)

Gene: BRCA2 (BRCA2 DNA repair associated; plus strand). Cytogenetic location: 13q13.1.
Variant type: single nucleotide variant.
Coding change: c.2422G>A on transcript NM_000059.4 (MANE Select); coding-DNA position 2422, G replaced by A.
Protein change: p.Glu808Lys; replaces glutamic acid 808 with lysine.
Molecular consequence: missense variant. On other transcripts: non-coding transcript variant (1), intron variant (2).
Genome position (GRCh38, 1-based): chr13:32,336,777, G>A. VCF-style: chr13-32336777-G-A. GRCh37 (hg19) VCF-style: chr13-32910914-G-A.
Other names: c.2422G>A, p.Glu808Lys (NM_001406719.1, NM_001406720.1); c.1909+3390G>A (NM_001406721.1); c.424+5747G>A (NM_001406722.1); short protein forms E808K.
Identifiers: ClinVar variation 2451510 (VCV002451510.2), dbSNP rs2072457302, ClinGen allele CA387772102.